The following is an entry in ClinVar:

NM_001754.5(RUNX1):c.1178G>A (p.Gly393Glu)

Gene: RUNX1 (RUNX family transcription factor 1; minus strand). Cytogenetic location: 21q22.12.
Variant type: single nucleotide variant.
Coding change: c.1178G>A on transcript NM_001754.5 (MANE Select); coding-DNA position 1178, G replaced by A.
Protein change: p.Gly393Glu; replaces glycine 393 with glutamic acid.
Molecular consequence: missense variant.
Genome position (GRCh38, 1-based): chr21:34,792,400, C>T on the plus strand (G>A on the coding strand, the complement: RUNX1 is on the minus strand). VCF-style: chr21-34792400-C-T. GRCh37 (hg19) VCF-style: chr21-36164697-C-T.
Other names: NM_001754.5(RUNX1):c.1178G>A; p.Gly393Glu; c.1097G>A, p.Gly366Glu (NM_001001890.3); short protein forms G393E, G366E.
Identifiers: ClinVar variation 3791485 (VCV003791485.1).
Genomic context (GRCh38, chr21:34,792,400, plus strand): 5'-GAGCCGGCCGAGGCGCCGTAGTACAGGTGGTAGGAGGGCGAGCTGGCTTGGAACGGGCCT[C>T]CCTGCGCTTGCGACGAGCCGGGGTAGGGCGGCGGCAGGTAGGTGTGGTAGCGCGTGGCCG-3'
Protein context (NP_001745.2, residues 383-403): PPYPGSSQAQ[Gly393Glu]GPFQASSPSY

ClinVar aggregate classification (germline): Uncertain significance. Review status: reviewed by expert panel (3 of 4 stars). 2 submissions from 2 submitters: Uncertain significance (1). 1 of the submissions does not count toward it. Last evaluated 2025-07-11.

Conditions:
Inborn genetic diseases. Identifiers: MedGen C0950123, MeSH D030342.
Hereditary thrombocytopenia and hematologic cancer predisposition syndrome. Identifiers: Orphanet 71290, MedGen CN281654, MONDO:0011071.

Submissions (2):

ClinGen Myeloid Malignancy Variant Curation Expert Panel
Classification: Uncertain significance for Hereditary thrombocytopenia and hematologic cancer predisposition syndrome. Last evaluated: 2025-07-11. Review status: reviewed by expert panel. Criteria: ClinGen MyeloMalig ACMG Specifications v2. Collection method: curation. Allele origin: germline. Inheritance: Autosomal dominant inheritance.
Comment: NM_001754.5(RUNX1):c.1178G>A (p.Gly393Glu) is a missense variant which has a REVEL score < 0.50 (0.029), and a SpliceAI score ≤ 0.20 (0.0) (BP4). This variant is completely absent from all population databases with at least 20x coverage for RUNX1 (PM2_Supporting). In summary, the clinical significance of this variant is uncertain. ACMG/AMP criteria applied, as specified by the Myeloid Malignancy Variant Curation Expert Panel for RUNX1: BP4, PM2_supporting.

Ambry Genetics
Classification: Uncertain significance for Inborn genetic diseases. Last evaluated: 2025-01-24. Review status: criteria provided, single submitter. Criteria: Ambry Variant Classification Scheme 2023. Collection method: clinical testing. Allele origin: germline. Not counted in ClinVar's aggregate classification.
Comment: The p.G393E variant (also known as c.1178G>A), located in coding exon 8 of the RUNX1 gene, results from a G to A substitution at nucleotide position 1178. The glycine at codon 393 is replaced by glutamic acid, an amino acid with similar properties. This amino acid position is conserved. In addition, this alteration is predicted to be tolerated by in silico analysis. Based on the available evidence, the clinical significance of this variant remains unclear.